The following is an entry in ClinVar:

NM_080680.3(COL11A2):c.3928del (p.Glu1310fs)

Gene: COL11A2 (collagen type XI alpha 2 chain; minus strand). Cytogenetic location: 6p21.32.
Variant type: Deletion.
Coding change: c.3928del on transcript NM_080680.3 (MANE Select); coding-DNA position 3928, one base deleted (G; older notation c.3928delG).
Protein change: p.Glu1310fs; shifts the reading frame from glutamic acid 1310.
Molecular consequence: frameshift variant.
Genome position (GRCh38, 1-based): chr6:33,168,551, C deleted on the plus strand (G on the coding strand, the reverse complement: COL11A2 is on the minus strand); the first of 4 consecutive C bases (chr6:33,168,551-33,168,554); deleting any one gives the same sequence. VCF-style (leftmost placement, unchanged base first): chr6-33168550-TC-T. GRCh37 (hg19) VCF-style: chr6-33136327-TC-T.
Other names: c.3748del, p.Glu1250fs (NM_001424108.1); c.3082del, p.Glu1028fs (NM_001424109.1); c.2902del, p.Glu968fs (NM_001424110.1, NM_001424111.1); c.1882del, p.Glu628fs (NM_001424112.1); c.3607del, p.Glu1203fs (NM_080679.3); c.3670del, p.Glu1224fs (NM_080681.3); short protein forms E1028fs, E1224fs, E1203fs, E968fs, E1250fs, E1310fs, E628fs.
Identifiers: ClinVar variation 2825543 (VCV002825543.3), dbSNP rs2534650172, ClinGen allele CA2739273030.
Genomic context (GRCh38, chr6:33,168,550, plus strand): 5'-CCAAGGTCTCAGGGGTCCACCTCACTTACTCGCTTTCCAAGTGGCCCTGGGGGTCCATTC[TC>T]CCCGGTGGGACCAGGGGATCCCTAGGGAGAGAGGAATTGGGGTGGCTGAGTGTTTATCCT-3'

ClinVar aggregate classification (germline): Pathogenic (1 of 4 stars; one submission).

Submission:

Labcorp Genetics (formerly Invitae), Labcorp
Classification: Pathogenic. Last evaluated: 2022-12-31. Review status: criteria provided, single submitter. Criteria: Invitae Variant Classification Sherloc (09022015). Collection method: clinical testing. Allele origin: germline.
Comment: For these reasons, this variant has been classified as Pathogenic. This variant has not been reported in the literature in individuals affected with COL11A2-related conditions. This variant is not present in population databases (gnomAD no frequency). This sequence change creates a premature translational stop signal (p.Glu1310Argfs*35) in the COL11A2 gene. It is expected to result in an absent or disrupted protein product. Loss-of-function variants in COL11A2 are known to be pathogenic (PMID: 10677296, 21204229).

Literature cited by the submitters: PubMed 10677296; PubMed 21204229.